The following is an entry in ClinVar:

NM_001684.5(ATP2B4):c.1936G>A (p.Asp646Asn)

Gene: ATP2B4 (ATPase plasma membrane Ca2+ transporting 4; plus strand). Cytogenetic location: 1q32.1.
Variant type: single nucleotide variant.
Coding change: c.1936G>A on transcript NM_001684.5 (MANE Select); coding-DNA position 1936, G replaced by A.
Protein change: p.Asp646Asn; replaces aspartic acid 646 with asparagine.
Molecular consequence: missense variant.
Genome position (GRCh38, 1-based): chr1:203,711,013, G>A. VCF-style: chr1-203711013-G-A. GRCh37 (hg19) VCF-style: chr1-203680141-G-A.
Other names: c.1936G>A, p.Asp646Asn (NM_001001396.3, NM_001365783.2, NM_001365784.2); short protein forms D646N.
Identifiers: ClinVar variation 2420905 (VCV002420905.6), dbSNP rs373490438, ClinGen allele CA1341738.

ClinVar aggregate classification (germline): Uncertain significance (1 of 4 stars; one submission).

Allele frequency attached by ClinVar (database versions not stated): gnomAD 0.00001; ExAC 0.00005; TOPMed 0.00011.
gnomAD v4.1: 94 of 1,613,948 alleles (0.0058%); highest among the groups gnomAD compares: East Asian, 0.029%; 1 homozygote.

Submission:

Labcorp Genetics (formerly Invitae), Labcorp
Classification: Uncertain significance. Last evaluated: 2025-12-24. Review status: criteria provided, single submitter. Criteria: Invitae Variant Classification Sherloc (09022015). Collection method: clinical testing. Allele origin: germline.
Comment: This sequence change replaces aspartic acid, which is acidic and polar, with asparagine, which is neutral and polar, at codon 646 of the ATP2B4 protein (p.Asp646Asn). This variant is present in population databases (rs373490438, gnomAD 0.02%). This variant has not been reported in the literature in individuals affected with ATP2B4-related conditions. ClinVar contains an entry for this variant (Variation ID: 2420905). Invitae Evidence Modeling of protein sequence and biophysical properties (such as structural, functional, and spatial information, amino acid conservation, physicochemical variation, residue mobility, and thermodynamic stability) indicates that this missense variant is not expected to disrupt ATP2B4 protein function with a negative predictive value of 80%. In summary, the available evidence is currently insufficient to determine the role of this variant in disease. Therefore, it has been classified as a Variant of Uncertain Significance.